The following is an entry in ClinVar:

ClinVar aggregate classification (germline): Likely benign (0 of 4 stars; one submission).

Conditions:
NSMF-related disorder. Also called: NSMF-related condition.

Allele frequency attached by ClinVar (database versions not stated): TOPMed 0.00002; gnomAD 0.00005; ExAC 0.00011; 1000 Genomes Project 30x 0.00016; 1000 Genomes Project 0.00020.
gnomAD v4.1: 129 of 1,539,442 alleles (0.0084%); highest among the groups gnomAD compares: South Asian, 0.072%; 1 homozygote.

Submission:

PreventionGenetics, part of Exact Sciences
Classification: Likely benign for NSMF-related condition. Last evaluated: 2022-12-28. Review status: no assertion criteria provided. Collection method: clinical testing. Allele origin: germline.
Comment: This variant is classified as likely benign based on ACMG/AMP sequence variant interpretation guidelines (Richards et al. 2015 PMID: 25741868, with internal and published modifications).

NM_001130969.3(NSMF):c.629-22C>T

Gene: NSMF (NMDA receptor synaptonuclear signaling and neuronal migration factor; minus strand). Cytogenetic location: 9q34.3.
Variant type: single nucleotide variant.
Coding change: c.629-22C>T on transcript NM_001130969.3 (MANE Select); 22 bases into the intron before coding-DNA position 629, C replaced by T.
Molecular consequence: intron variant.
Genome position (GRCh38, 1-based): chr9:137,456,508, G>A on the plus strand (C>T on the coding strand, the complement: NSMF is on the minus strand). VCF-style: chr9-137456508-G-A. GRCh37 (hg19) VCF-style: chr9-140350960-G-A.
Other names: c.629-22C>T (NM_001130971.2, NM_015537.5, NM_001130970.2 and 1 more transcripts).
Identifiers: ClinVar variation 3052015 (VCV003052015.2), dbSNP rs528113514, ClinGen allele CA5370503.
Genomic context (GRCh38, chr9:137,456,508, plus strand): 5'-GATTTTCCTTGGGGAACCAGGTACGAATAGGGATGTCGTCTAAGAGAGACAAAAAGGAGC[G>A]GTGGCTGGGTGAAGTAGGGGTTCCTGAAGCCTCTCCCTCCCTGTTGGGAAGCAGATGCTT-3'